The following is an entry in ClinVar:

NM_000360.4(TH):c.91-819G>A

Gene: TH (tyrosine hydroxylase; minus strand). Cytogenetic location: 11p15.5.
Variant type: single nucleotide variant.
Coding change: c.91-819G>A on transcript NM_000360.4 (MANE Select); 819 bases into the intron before coding-DNA position 91, G replaced by A.
Molecular consequence: intron variant. On other transcripts: synonymous variant (2).
Genome position (GRCh38, 1-based): chr11:2,170,690, C>T on the plus strand (G>A on the coding strand, the complement: TH is on the minus strand). VCF-style: chr11-2170690-C-T. GRCh37 (hg19) VCF-style: chr11-2191920-C-T.
Other names: c.183G>A, p.Arg61= (NM_199292.3); c.171G>A, p.Arg57= (NM_199293.3).
Identifiers: ClinVar variation 1406276 (VCV001406276.3), dbSNP rs1330998143, ClinGen allele CA472018972.
Genomic context (GRCh38, chr11:2,170,690, plus strand): 5'-AGGGTTGTGGAACATGAAGGGGAGCAGCAGAAGCCCCTCCCAGAGTCCCCTCTTACTTAC[C>T]CTTGGGGTGGGGGTGTAGGATGCAGCTGGGGCTGCAGTTCCAGGCCACGGAGAGCCTGTG-3'

ClinVar aggregate classification (germline): Uncertain significance (1 of 4 stars; one submission).

Conditions:
TH-deficient dopa-responsive dystonia. Also called: Tyrosine Hydroxylase-Deficient Dopa-Responsive Dystonia; Segawa syndrome, autosomal recessive; DYT-TH. Identifiers: Orphanet 101150, MedGen C2673535, MONDO:0011551, OMIM 605407.

gnomAD v4.1: 4 of 1,604,224 alleles (0.00025%); highest among the groups gnomAD compares: Admixed American, 0.0034%; no homozygotes.

Submission:

Labcorp Genetics (formerly Invitae), Labcorp
Classification: Uncertain significance for TH-deficient dopa-responsive dystonia. Last evaluated: 2022-07-11. Review status: criteria provided, single submitter. Criteria: Invitae Variant Classification Sherloc (09022015). Collection method: clinical testing. Allele origin: germline.
Comment: This sequence change affects codon 61 of the TH mRNA. It is a 'silent' change, meaning that it does not change the encoded amino acid sequence of the TH protein. This variant also falls at the last nucleotide of exon 2, which is part of the consensus splice site for this exon. The frequency data for this variant in the population databases is considered unreliable, as metrics indicate poor data quality at this position in the gnomAD database. This variant has not been reported in the literature in individuals affected with TH-related conditions. ClinVar contains an entry for this variant (Variation ID: 1406276). Variants that disrupt the consensus splice site are a relatively common cause of aberrant splicing (PMID: 17576681, 9536098). Algorithms developed to predict the effect of sequence changes on RNA splicing suggest that this variant is not likely to affect RNA splicing. In summary, the available evidence is currently insufficient to determine the role of this variant in disease. Therefore, it has been classified as a Variant of Uncertain Significance.

Literature cited by the submitters: PubMed 17576681; PubMed 9536098.